The following is an entry in ClinVar:

ClinVar aggregate classification (germline): Uncertain significance (1 of 4 stars; one submission).

Conditions:
Epilepsy, X-linked 1, with variable learning disabilities and behavior disorders. Also called: X-linked epilepsy-learning disabilities-behavior disorders syndrome. Identifiers: Orphanet 85294, MedGen C5774177, MONDO:0010339, OMIM 300491.

Submission:

Labcorp Genetics (formerly Invitae), Labcorp
Classification: Uncertain significance for Epilepsy, X-linked 1, with variable learning disabilities and behavior disorders. Last evaluated: 2022-07-11. Review status: criteria provided, single submitter. Criteria: Invitae Variant Classification Sherloc (09022015). Collection method: clinical testing. Allele origin: germline.
Comment: In summary, the available evidence is currently insufficient to determine the role of this variant in disease. Therefore, it has been classified as a Variant of Uncertain Significance. Experimental studies and prediction algorithms are not available or were not evaluated, and the functional significance of this variant is currently unknown. ClinVar contains an entry for this variant (Variation ID: 998962). This variant has not been reported in the literature in individuals affected with SYN1-related conditions. Information on the frequency of this variant in the gnomAD database is not available, as this variant may be reported differently in the database. This variant, c.1269_1270delinsTT, is a complex sequence change that results in the deletion of 1 and insertion of 2 amino acid(s) in the SYN1 protein (p.Gln423_Arg424delinsHisTrp).

NM_006950.3(SYN1):c.1269_1270delinsTT (p.Gln423_Arg424delinsHisTrp)

Gene: SYN1 (synapsin I; minus strand). Cytogenetic location: Xp11.3.
Variant type: Indel.
Coding change: c.1269_1270delinsTT on transcript NM_006950.3 (MANE Select); coding-DNA positions 1269 to 1270, GC replaced by TT.
Protein change: p.Gln423_Arg424delinsHisTrp.
Molecular consequence: missense variant.
Genome position (GRCh38, 1-based): chrX:47,575,163-47,575,164, GC replaced by AA on the plus strand (GC replaced by TT on the coding strand, the reverse complement: SYN1 is on the minus strand). VCF-style: chrX-47575163-GC-AA. GRCh37 (hg19) VCF-style: chrX-47434562-GC-AA.
Other names: c.1269_1270delinsTT, p.Gln423_Arg424delinsHisTrp (NM_133499.2).
Identifiers: ClinVar variation 998962 (VCV000998962.9), dbSNP rs2057773624, ClinGen allele CA2427971551.